The following is an entry in ClinVar:

NM_004326.4(BCL9):c.15C>T (p.Asn5=)

Gene: BCL9 (BCL9 transcription coactivator; plus strand). Cytogenetic location: 1q21.2.
Variant type: single nucleotide variant.
Coding change: c.15C>T on transcript NM_004326.4 (MANE Select); coding-DNA position 15, C replaced by T.
Protein change: p.Asn5=; no amino-acid change (asparagine 5 retained).
Molecular consequence: synonymous variant.
Genome position (GRCh38, 1-based): chr1:147,611,851, C>T. VCF-style: chr1-147611851-C-T. GRCh37 (hg19) VCF-style: chr1-147083650-C-T.
Identifiers: ClinVar variation 2639121 (VCV002639121.24), dbSNP rs41299583, ClinGen allele CA1064232.

ClinVar aggregate classification (germline): Likely benign (1 of 4 stars; one submission).

Allele frequency attached by ClinVar (database versions not stated): ExAC 0.00031; TOPMed 0.00031; gnomAD 0.00034; gnomAD exomes 0.00044; ESP Exome Variant Server 0.00054.
gnomAD v4.1: 700 of 1,614,052 alleles (0.043%); highest among the groups gnomAD compares: Non-Finnish European, 0.053%; no homozygotes.

Submission:

CeGaT Center for Human Genetics Tuebingen
Classification: Likely benign. Last evaluated: 2022-06-01. Review status: criteria provided, single submitter. Criteria: CeGaT Center For Human Genetics Tuebingen Variant Classification Criteria Version 2. Collection method: clinical testing. Allele origin: germline. Affected: yes. Observed: 1 variant allele.
Comment: BCL9: BP4, BP7